The following is an entry in ClinVar:

NM_020207.7(ERCC6L2):c.514C>T (p.Arg172Cys)

Gene: ERCC6L2 (ERCC excision repair 6 like 2; plus strand). Cytogenetic location: 9q22.32.
Variant type: single nucleotide variant.
Coding change: c.514C>T on transcript NM_020207.7 (MANE Select); coding-DNA position 514, C replaced by T.
Protein change: p.Arg172Cys; replaces arginine 172 with cysteine.
Molecular consequence: missense variant. On other transcripts: non-coding transcript variant (1).
Genome position (GRCh38, 1-based): chr9:95,897,891, C>T. VCF-style: chr9-95897891-C-T. GRCh37 (hg19) VCF-style: chr9-98660173-C-T.
Other names: c.547C>T (NM_020207.5); c.514C>T, p.Arg172Cys (NM_001010895.4, NM_001375291.1, NM_001375292.1 and 2 more transcripts); short protein forms R172C.
Identifiers: ClinVar variation 1403267 (VCV001403267.7), dbSNP rs149385968, ClinGen allele CA5139310.
Genomic context (GRCh38, chr9:95,897,891, plus strand): 5'-AAAGTCTTTTTTCCCCAGGTTATTTCATTTCTGGCTGCAGTTTTGCATAAAAAGGGAACT[C>T]GTGAGGATATTGAAAATAACATGCCAGAGTTTTTACTAAGAAGTATGAAAAAGGAACCCC-3'
Protein context (NP_064592.3, residues 162-182): LAAVLHKKGT[Arg172Cys]EDIENNMPEF

ClinVar aggregate classification (germline): Uncertain significance. Review status: criteria provided, multiple submitters, no conflicts (2 of 4 stars). 5 submissions from 5 submitters: Uncertain significance (5). Last evaluated 2026-05-27.

Conditions:
Inborn genetic diseases. Identifiers: MedGen C0950123, MeSH D030342.

Allele frequency attached by ClinVar (database versions not stated): ESP Exome Variant Server 0.00008; TOPMed 0.00010; gnomAD 0.00011 and 0.00014; gnomAD exomes 0.00017 and 0.00028; 1000 Genomes Project 30x 0.00031; ExAC 0.00034; 1000 Genomes Project 0.00040.
gnomAD v4.1: 256 of 1,612,264 alleles (0.016%); highest among the groups gnomAD compares: South Asian, 0.14%; 1 homozygote.

Submissions (5):

Women's Health and Genetics/Laboratory Corporation of America, LabCorp
Classification: Uncertain significance. Last evaluated: 2026-05-27. Review status: criteria provided, single submitter. Criteria: LabCorp Variant Classification Summary - May 2015. Collection method: clinical testing. Allele origin: germline.
Comment: Variant summary: ERCC6L2 c.514C>T (p.Arg172Cys) results in a non-conservative amino acid change in the encoded protein sequence. Algorithms developed to predict the effect of missense changes on protein structure and function are either unavailable or do not agree on the potential impact of this missense change. The variant allele was found at a frequency of 0.00028 in 250020 control chromosomes. This frequency is not significantly higher than estimated for disease-causing variants in ERCC6L2, allowing no conclusion about variant significance. To our knowledge, no occurrence of c.514C>T in individuals affected with ERCC6L2-related conditions and no experimental evidence demonstrating its impact on protein function have been reported. ClinVar contains an entry for this variant (Variation ID: 1403267). Based on the evidence outlined above, the variant was classified as uncertain significance.

Blueprint Genetics
Classification: Uncertain significance. Last evaluated: 2024-10-22. Review status: criteria provided, single submitter. Criteria: ACMG Guidelines, 2015. Collection method: clinical testing. Allele origin: germline.

Ambry Genetics
Classification: Uncertain significance for Inborn genetic diseases. Last evaluated: 2024-10-05. Review status: criteria provided, single submitter. Criteria: Ambry Variant Classification Scheme 2023. Collection method: clinical testing. Allele origin: germline.
Comment: The p.R172C variant (also known as c.514C>T), located in coding exon 3 of the ERCC6L2 gene, results from a C to T substitution at nucleotide position 514. The arginine at codon 172 is replaced by cysteine, an amino acid with highly dissimilar properties. This amino acid position is conserved. In addition, the in silico prediction for this alteration is inconclusive. Based on the available evidence, the clinical significance of this variant remains unclear.

Labcorp Genetics (formerly Invitae), Labcorp
Classification: Uncertain significance. Last evaluated: 2022-10-13. Review status: criteria provided, single submitter. Criteria: Invitae Variant Classification Sherloc (09022015). Collection method: clinical testing. Allele origin: germline.
Comment: This sequence change replaces arginine, which is basic and polar, with cysteine, which is neutral and slightly polar, at codon 183 of the ERCC6L2 protein (p.Arg183Cys). This variant is present in population databases (rs149385968, gnomAD 0.1%). This variant has not been reported in the literature in individuals affected with ERCC6L2-related conditions. ClinVar contains an entry for this variant (Variation ID: 1403267). Algorithms developed to predict the effect of missense changes on protein structure and function are either unavailable or do not agree on the potential impact of this missense change (SIFT: "Tolerated"; PolyPhen-2: "Not Available"; Align-GVGD: "Class C0"). In summary, the available evidence is currently insufficient to determine the role of this variant in disease. Therefore, it has been classified as a Variant of Uncertain Significance.

Clinical Genetics Laboratory, Skane University Hospital Lund
Classification: Uncertain significance. Last evaluated: 2022-07-15. Review status: criteria provided, single submitter. Criteria: ACMG Guidelines, 2015. Collection method: clinical testing. Allele origin: germline. Affected: yes.